The following is an entry in ClinVar:

NM_001042492.3(NF1):c.2987T>A (p.Val996Asp)

Gene: NF1 (neurofibromin 1; plus strand). Cytogenetic location: 17q11.2.
Variant type: single nucleotide variant.
Coding change: c.2987T>A on transcript NM_001042492.3 (MANE Select); coding-DNA position 2987, T replaced by A.
Protein change: p.Val996Asp; replaces valine 996 with aspartic acid.
Molecular consequence: missense variant.
Genome position (GRCh38, 1-based): chr17:31,229,971, T>A. VCF-style: chr17-31229971-T-A. GRCh37 (hg19) VCF-style: chr17-29556989-T-A.
Other names: c.2987T>A, p.Val996Asp (NM_000267.4); short protein forms V996D.
Identifiers: ClinVar variation 2706746 (VCV002706746.4), dbSNP rs2151430844, ClinGen allele CA398986447.
Genomic context (GRCh38, chr17:31,229,971, plus strand): 5'-CTGAAGGCAGCTCTGAACATCTAGGGCAAGCTAGCATTGAAACAATGATGTTAAATCTGG[T>A]CAGGTAAGCATTCTACTGAAATGTAGCAGAAACATTTTAAGAGATAAGAAAAACCTCTTA-3'
Protein context (NP_001035957.1, residues 986-1006): ASIETMMLNL[Val996Asp]RYVRVLGNMV

ClinVar aggregate classification (germline): Uncertain significance. Review status: criteria provided, multiple submitters, no conflicts (2 of 4 stars). 2 submissions from 2 submitters: Uncertain significance (2). Last evaluated 2025-04-20.

Conditions:
Hereditary cancer-predisposing syndrome. Also called: Neoplastic Syndromes, Hereditary; Hereditary neoplastic syndrome; Tumor predisposition; Hereditary Cancer Syndrome. Identifiers: Orphanet 140162, MedGen C0027672, MeSH D009386, MONDO:0015356.
Cardiovascular phenotype. Identifiers: MedGen CN230736.
Neurofibromatosis, type 1 (NF1). Also called: Peripheral type neurofibromatosis; VON RECKLINGHAUSEN DISEASE; NEUROFIBROMATOSIS, TYPE I, SOMATIC; Neurofibromatosis, type I. Identifiers: Orphanet 636, MedGen C0027831, MONDO:0018975, OMIM 162200. Disease mechanism: loss of function.

Submissions (2):

Ambry Genetics
Classification: Uncertain significance for Cardiovascular phenotype; Hereditary cancer-predisposing syndrome. Last evaluated: 2025-04-20. Review status: criteria provided, single submitter. Criteria: Ambry Variant Classification Scheme 2023. Collection method: clinical testing. Allele origin: germline.
Comment: The p.V996D variant (also known as c.2987T>A), located in coding exon 22 of the NF1 gene, results from a T to A substitution at nucleotide position 2987. The valine at codon 996 is replaced by aspartic acid, an amino acid with highly dissimilar properties. This amino acid position is conserved. In addition, the in silico prediction for this alteration is inconclusive. Based on the available evidence, the clinical significance of this variant remains unclear.

Labcorp Genetics (formerly Invitae), Labcorp
Classification: Uncertain significance for Neurofibromatosis, type 1. Last evaluated: 2023-12-31. Review status: criteria provided, single submitter. Criteria: Invitae Variant Classification Sherloc (09022015). Collection method: clinical testing. Allele origin: germline.
Comment: This sequence change replaces valine, which is neutral and non-polar, with aspartic acid, which is acidic and polar, at codon 996 of the NF1 protein (p.Val996Asp). This variant is not present in population databases (gnomAD no frequency). This variant has not been reported in the literature in individuals affected with NF1-related conditions. Advanced modeling of protein sequence and biophysical properties (such as structural, functional, and spatial information, amino acid conservation, physicochemical variation, residue mobility, and thermodynamic stability) performed at Invitae indicates that this missense variant is expected to disrupt NF1 protein function with a positive predictive value of 95%. In summary, the available evidence is currently insufficient to determine the role of this variant in disease. Therefore, it has been classified as a Variant of Uncertain Significance.